The following is an entry in ClinVar:

NM_004859.4(CLTC):c.742G>A (p.Val248Met)

Gene: CLTC (clathrin heavy chain; plus strand). Cytogenetic location: 17q23.1.
Variant type: single nucleotide variant.
Coding change: c.742G>A on transcript NM_004859.4 (MANE Select); coding-DNA position 742, G replaced by A.
Protein change: p.Val248Met; replaces valine 248 with methionine.
Molecular consequence: missense variant.
Genome position (GRCh38, 1-based): chr17:59,651,263, G>A. VCF-style: chr17-59651263-G-A. GRCh37 (hg19) VCF-style: chr17-57728624-G-A.
Other names: c.742G>A (NM_004859.3); c.754G>A, p.Val252Met (NM_001288653.2); short protein forms V252M, V248M.
Identifiers: ClinVar variation 3001673 (VCV003001673.4), dbSNP rs2509365314, ClinGen allele CA400422264.

ClinVar aggregate classification (germline): Uncertain significance. Review status: criteria provided, multiple submitters, no conflicts (2 of 4 stars). 2 submissions from 2 submitters: Uncertain significance (2). Last evaluated 2025-01-29.

Conditions:
Inborn genetic diseases. Identifiers: MedGen C0950123, MeSH D030342.

Submissions (2):

Ambry Genetics
Classification: Uncertain significance for Inborn genetic diseases. Last evaluated: 2025-01-29. Review status: criteria provided, single submitter. Criteria: Ambry Variant Classification Scheme 2023. Collection method: clinical testing. Allele origin: germline.

Labcorp Genetics (formerly Invitae), Labcorp
Classification: Uncertain significance. Last evaluated: 2023-09-06. Review status: criteria provided, single submitter. Criteria: Invitae Variant Classification Sherloc (09022015). Collection method: clinical testing. Allele origin: germline.
Comment: This variant is not present in population databases (gnomAD no frequency). This sequence change replaces valine, which is neutral and non-polar, with methionine, which is neutral and non-polar, at codon 252 of the CLTC protein (p.Val252Met). This variant has not been reported in the literature in individuals affected with CLTC-related conditions. Advanced modeling of protein sequence and biophysical properties (such as structural, functional, and spatial information, amino acid conservation, physicochemical variation, residue mobility, and thermodynamic stability) has been performed at Invitae for this missense variant, however the output from this modeling did not meet the statistical confidence thresholds required to predict the impact of this variant on CLTC protein function. In summary, the available evidence is currently insufficient to determine the role of this variant in disease. Therefore, it has been classified as a Variant of Uncertain Significance.